The following is an entry in ClinVar:

NM_000138.5(FBN1):c.127A>T (p.Lys43Ter)

Gene: FBN1 (fibrillin 1; minus strand). Cytogenetic location: 15q21.1.
Variant type: single nucleotide variant.
Coding change: c.127A>T on transcript NM_000138.5 (MANE Select); coding-DNA position 127, A replaced by T.
Protein change: p.Lys43Ter; replaces lysine 43 with a stop codon.
Molecular consequence: nonsense.
Genome position (GRCh38, 1-based): chr15:48,644,643, T>A on the plus strand (A>T on the coding strand, the complement: FBN1 is on the minus strand). VCF-style: chr15-48644643-T-A. GRCh37 (hg19) VCF-style: chr15-48936840-T-A.
Other names: short protein forms K43*.
Identifiers: ClinVar variation 1068667 (VCV001068667.11), dbSNP rs751270801, ClinGen allele CA392453566.

ClinVar aggregate classification (germline): Pathogenic. Review status: criteria provided, multiple submitters, no conflicts (2 of 4 stars). 2 submissions from 2 submitters: Pathogenic (2). Last evaluated 2020-05-21.

Conditions:
Marfan syndrome (MFS). Also called: FBN1-Related Marfan Syndrome; MARFAN SYNDROME, TYPE I; Marfan syndrome type 1; Marfan's syndrome; Marfan syndrome, classic. Identifiers: Orphanet 284963, Orphanet 558, MedGen C0024796, MONDO:0007947, OMIM 154700.
Familial thoracic aortic aneurysm and aortic dissection (TAAD). Also called: Thoracic aortic aneurysms and dissections. Identifiers: Orphanet 91387, MedGen C4707243, MONDO:0019625.

Submissions (2):

Mayo Clinic Laboratories, Mayo Clinic
Classification: Pathogenic. Last evaluated: 2020-05-21. Review status: criteria provided, single submitter. Criteria: ACMG Guidelines, 2015. Collection method: clinical testing. Allele origin: germline. Observed: 1 variant allele.
Comment: PVS1, PM2, PP4

Labcorp Genetics (formerly Invitae), Labcorp
Classification: Pathogenic for Marfan syndrome; Familial thoracic aortic aneurysm and aortic dissection. Last evaluated: 2020-03-19. Review status: criteria provided, single submitter. Criteria: Invitae Variant Classification Sherloc (09022015). Collection method: clinical testing. Allele origin: germline.
Comment: For these reasons, this variant has been classified as Pathogenic. Loss-of-function variants in FBN1 are known to be pathogenic (PMID: 17657824, 19293843). This variant has not been reported in the literature in individuals with FBN1-related conditions. This variant is not present in population databases (ExAC no frequency). This sequence change creates a premature translational stop signal (p.Lys43*) in the FBN1 gene. It is expected to result in an absent or disrupted protein product.

Literature cited by the submitters: PubMed 17657824 (cited by Labcorp Genetics (formerly Invitae), Labcorp); PubMed 19293843 (cited by Labcorp Genetics (formerly Invitae), Labcorp).